The following is an entry in ClinVar:

ClinVar aggregate classification (germline): Uncertain significance (1 of 4 stars; one submission).

Submission:

Labcorp Genetics (formerly Invitae), Labcorp
Classification: Uncertain significance. Last evaluated: 2025-08-04. Review status: criteria provided, single submitter. Criteria: Invitae Variant Classification Sherloc (09022015). Collection method: clinical testing. Allele origin: germline.
Comment: This sequence change falls in intron 2 of the CEP152 gene. It does not directly change the encoded amino acid sequence of the CEP152 protein. It affects a nucleotide within the consensus splice site. This variant is not present in population databases (gnomAD no frequency). This variant has not been reported in the literature in individuals affected with CEP152-related conditions. Variants that disrupt the consensus splice site are a relatively common cause of aberrant splicing (PMID: 17576681, 9536098). Algorithms developed to predict the effect of sequence changes on RNA splicing suggest that this variant may disrupt the consensus splice site. In summary, the available evidence is currently insufficient to determine the role of this variant in disease. Therefore, it has been classified as a Variant of Uncertain Significance.

Literature cited by the submitters: PubMed 17576681; PubMed 9536098.

NM_001194998.2(CEP152):c.87+2dup

Gene: CEP152 (centrosomal protein 152; minus strand). Cytogenetic location: 15q21.1.
Variant type: Duplication.
Coding change: c.87+2dup on transcript NM_001194998.2 (MANE Select); the canonical splice donor site of the intron after coding-DNA position 87, one base duplicated (T; older notation c.87+2dupT).
Molecular consequence: splice donor variant.
Genome position (GRCh38, 1-based): chr15:48,805,561, A duplicated on the plus strand (T on the coding strand, the reverse complement: CEP152 is on the minus strand). VCF-style (leftmost placement, unchanged base first): chr15-48805560-T-TA. GRCh37 (hg19) VCF-style: chr15-49097757-T-TA.
Other names: c.87+2dup (NM_014985.4).
Identifiers: ClinVar variation 4724367 (VCV004724367.1).